The following is an entry in ClinVar:

ClinVar aggregate classification (germline): Uncertain significance (1 of 4 stars; one submission).

Allele frequency attached by ClinVar (database versions not stated): ExAC 0.00001.

Submission:

Labcorp Genetics (formerly Invitae), Labcorp
Classification: Uncertain significance. Last evaluated: 2022-07-19. Review status: criteria provided, single submitter. Criteria: Invitae Variant Classification Sherloc (09022015). Collection method: clinical testing. Allele origin: germline.
Comment: This sequence change replaces threonine, which is neutral and polar, with methionine, which is neutral and non-polar, at codon 1832 of the CAD protein (p.Thr1832Met). The frequency data for this variant in the population databases is considered unreliable, as metrics indicate poor data quality at this position in the gnomAD database. This variant has not been reported in the literature in individuals affected with CAD-related conditions. Algorithms developed to predict the effect of missense changes on protein structure and function (SIFT, PolyPhen-2, Align-GVGD) all suggest that this variant is likely to be tolerated. Algorithms developed to predict the effect of sequence changes on RNA splicing suggest that this variant may disrupt the consensus splice site. In summary, the available evidence is currently insufficient to determine the role of this variant in disease. Therefore, it has been classified as a Variant of Uncertain Significance.

NM_004341.5(CAD):c.5495C>T (p.Thr1832Met)

Gene: CAD (carbamoyl-phosphate synthetase 2, aspartate transcarbamylase, and dihydroorotase; plus strand). Cytogenetic location: 2p23.3.
Variant type: single nucleotide variant.
Coding change: c.5495C>T on transcript NM_004341.5 (MANE Select); coding-DNA position 5495, C replaced by T.
Protein change: p.Thr1832Met; replaces threonine 1832 with methionine.
Molecular consequence: missense variant.
Genome position (GRCh38, 1-based): chr2:27,239,797, C>T. VCF-style: chr2-27239797-C-T. GRCh37 (hg19) VCF-style: chr2-27462665-C-T.
Other names: c.5306C>T, p.Thr1769Met (NM_001306079.2); short protein forms T1769M, T1832M.
Identifiers: ClinVar variation 2060667 (VCV002060667.1), dbSNP rs755815734, ClinGen allele CA1573877.
Genomic context (GRCh38, chr2:27,239,797, plus strand): 5'-GGCCACAGGGGGCTGTTCCTCAGCTCCCACCCTCAGCCCCTGCCACTAGTGAGATGACCA[C>T]GGTATCCACACTACTGGGCTAGGGGGCTGGGAGGTGTTAGTCTCAGGGCAGGATGAACAG-3'
Protein context (NP_004332.2, residues 1822-1842): PSAPATSEMT[Thr1832Met]TPERPRRGIP